The following is an entry in ClinVar:

NM_001365999.1(SZT2):c.9119T>C (p.Met3040Thr)

Gene: SZT2 (SZT2 subunit of KICSTOR complex; plus strand). Cytogenetic location: 1p34.2.
Variant type: single nucleotide variant.
Coding change: c.9119T>C on transcript NM_001365999.1 (MANE Select); coding-DNA position 9119, T replaced by C.
Protein change: p.Met3040Thr; replaces methionine 3040 with threonine.
Molecular consequence: missense variant.
Genome position (GRCh38, 1-based): chr1:43,447,001, T>C. VCF-style: chr1-43447001-T-C. GRCh37 (hg19) VCF-style: chr1-43912672-T-C.
Other names: c.8948T>C, p.Met2983Thr (NM_015284.4); short protein forms M2983T, M3040T.
Identifiers: ClinVar variation 1471417 (VCV001471417.6), dbSNP rs1291578146, ClinGen allele CA340042306.
Genomic context (GRCh38, chr1:43,447,001, plus strand): 5'-TGCTGCCTCCCCAGCTGTCCATGCTGTTCACAGAGGAGTGTGACAAGGTGCGGGACCTGA[T>C]GCACGTGCACTCGTTCAGCTATGACTTCCATCTGCGCCTCGTGCATCAGCACGTGCTAGG-3'
Protein context (NP_001352928.1, residues 3030-3050): TEECDKVRDL[Met3040Thr]HVHSFSYDFH

ClinVar aggregate classification (germline): Uncertain significance (1 of 4 stars; one submission).

Submission:

Labcorp Genetics (formerly Invitae), Labcorp
Classification: Uncertain significance. Last evaluated: 2021-09-20. Review status: criteria provided, single submitter. Criteria: Invitae Variant Classification Sherloc (09022015). Collection method: clinical testing. Allele origin: germline.
Comment: This sequence change replaces methionine with threonine at codon 2983 of the SZT2 protein (p.Met2983Thr). The methionine residue is highly conserved and there is a moderate physicochemical difference between methionine and threonine. In summary, the available evidence is currently insufficient to determine the role of this variant in disease. Therefore, it has been classified as a Variant of Uncertain Significance. Algorithms developed to predict the effect of missense changes on protein structure and function are either unavailable or do not agree on the potential impact of this missense change (SIFT: "Tolerated"; PolyPhen-2: "Probably Damaging"; Align-GVGD: "Class C0"). This variant has not been reported in the literature in individuals affected with SZT2-related conditions. This variant is not present in population databases (ExAC no frequency).